The following is an entry in ClinVar:

ClinVar aggregate classification (germline): Uncertain significance. Review status: criteria provided, multiple submitters, no conflicts (2 of 4 stars). 5 submissions from 5 submitters: Uncertain significance (5). Last evaluated 2026-09-13.

Conditions:
MYL3-related disorder. Also called: MYL3-related condition.
Cardiomyopathy (CMYO). Also called: Cardiomyopathies. Identifiers: Orphanet 167848, MedGen C0878544, MONDO:0004994, HP:0001638. Inheritance: Various modes of inheritance.
Hypertrophic cardiomyopathy. Also called: HYPERTROPHIC MYOCARDIOPATHY. Identifiers: Orphanet 217569, MedGen C0007194, MeSH D002312, MONDO:0005045, HP:0001639.

Allele frequency attached by ClinVar (database versions not stated): gnomAD exomes below 0.00001; ExAC 0.00001; gnomAD 0.00001; TOPMed 0.00001; ESP Exome Variant Server 0.00008.
gnomAD v4.1: 3 of 1,612,886 alleles (0.00019%); highest among the groups gnomAD compares: Non-Finnish European, 0.00025%; no homozygotes.

Submissions (5):

PreventionGenetics, part of Exact Sciences
Classification: Uncertain significance for MYL3-related condition. Last evaluated: 2026-09-13. Review status: criteria provided, single submitter. Criteria: ACMG Guidelines, 2015. Collection method: clinical testing. Allele origin: germline.
Comment: The MYL3 c.484G>A variant is predicted to result in the amino acid substitution p.Glu162Lys. To our knowledge, this variant has not been reported in the literature. This variant is reported in 0.00088% of alleles in individuals of European (Non-Finnish) descent in gnomAD. At this time, the clinical significance of this variant is uncertain due to the absence of conclusive functional and genetic evidence.

Labcorp Genetics (formerly Invitae), Labcorp
Classification: Uncertain significance for Hypertrophic cardiomyopathy. Last evaluated: 2025-10-28. Review status: criteria provided, single submitter. Criteria: Invitae Variant Classification Sherloc (09022015). Collection method: clinical testing. Allele origin: germline.
Comment: This sequence change replaces glutamic acid, which is acidic and polar, with lysine, which is basic and polar, at codon 162 of the MYL3 protein (p.Glu162Lys). This variant is present in population databases (rs371642547, gnomAD 0.0009%). This variant has not been reported in the literature in individuals affected with MYL3-related conditions. ClinVar contains an entry for this variant (Variation ID: 922164). An algorithm developed to predict the effect of missense changes on protein structure and function (PolyPhen-2) suggests that this variant is likely to be disruptive. In summary, the available evidence is currently insufficient to determine the role of this variant in disease. Therefore, it has been classified as a Variant of Uncertain Significance.

Color Diagnostics, LLC DBA Color Health
Classification: Uncertain significance for Cardiomyopathy. Last evaluated: 2025-05-27. Review status: criteria provided, single submitter. Criteria: ACMG Guidelines, 2015. Collection method: clinical testing. Allele origin: germline.
Comment: This missense variant replaces glutamic acid with lysine at codon 162 of the MYL3 protein. Computational prediction suggests that this variant may have a deleterious impact on protein structure and function. To our knowledge, functional studies have not been reported for this variant. This variant has not been reported in individuals affected with MYL3-related disorders in the literature. This variant has been identified in 1/249852 chromosomes in the general population by the Genome Aggregation Database (gnomAD). The available evidence is insufficient to determine the role of this variant in disease conclusively. Therefore, this variant is classified as a Variant of Uncertain Significance.

GeneDx
Classification: Uncertain significance. Last evaluated: 2024-08-05. Review status: criteria provided, single submitter. Criteria: GeneDx Variant Classification Process June 2021. Collection method: clinical testing. Allele origin: germline. Affected: yes.
Comment: Not observed at significant frequency in large population cohorts (gnomAD); In silico analysis supports that this missense variant has a deleterious effect on protein structure/function; Has not been previously published as pathogenic or benign to our knowledge

All of Us Research Program, National Institutes of Health
Classification: Uncertain significance for Hypertrophic cardiomyopathy. Last evaluated: 2023-05-16. Review status: criteria provided, single submitter. Criteria: ACMG Guidelines, 2015. Collection method: clinical testing. Allele origin: germline. Inheritance: Autosomal dominant inheritance. Observed: 1 variant allele, 1 heterozygote.
Comment: This missense variant replaces glutamic acid with lysine at codon 162 of the MYL3 protein. Computational prediction suggests that this variant may have deleterious impact on protein structure and function (internally defined REVEL score threshold >= 0.7, PMID: 27666373). To our knowledge, functional studies have not been reported for this variant. This variant has not been reported in individuals affected with MYL3-related disorders in the literature. This variant has been identified in 1/249852 chromosomes in the general population by the Genome Aggregation Database (gnomAD). The available evidence is insufficient to determine the role of this variant in disease conclusively. Therefore, this variant is classified as a Variant of Uncertain Significance.

This study involves interpretation of variants in research participants for the purpose of population health screening. Participant phenotype was not available at the time of variant classification. Additional details can be found in publication PMID: 35346344, PMCID: PMC8962531

NM_000258.3(MYL3):c.484G>A (p.Glu162Lys)

Gene: MYL3 (myosin light chain 3; minus strand). Cytogenetic location: 3p21.31.
Variant type: single nucleotide variant.
Coding change: c.484G>A on transcript NM_000258.3 (MANE Select); coding-DNA position 484, G replaced by A.
Protein change: p.Glu162Lys; replaces glutamic acid 162 with lysine.
Molecular consequence: missense variant.
Genome position (GRCh38, 1-based): chr3:46,858,459, C>T on the plus strand (G>A on the coding strand, the complement: MYL3 is on the minus strand). VCF-style: chr3-46858459-C-T. GRCh37 (hg19) VCF-style: chr3-46899949-C-T.
Other names: short protein forms E162K.
Identifiers: ClinVar variation 922164 (VCV000922164.10), dbSNP rs371642547, ClinGen allele CA044523.